The following is an entry in ClinVar:

NM_002432.3(MNDA):c.908C>G (p.Ala303Gly)

Gene: MNDA (myeloid cell nuclear differentiation antigen; plus strand). Cytogenetic location: 1q23.1.
Variant type: single nucleotide variant.
Coding change: c.908C>G on transcript NM_002432.3 (MANE Select); coding-DNA position 908, C replaced by G.
Protein change: p.Ala303Gly; replaces alanine 303 with glycine.
Molecular consequence: missense variant.
Genome position (GRCh38, 1-based): chr1:158,845,924, C>G. VCF-style: chr1-158845924-C-G. GRCh37 (hg19) VCF-style: chr1-158815714-C-G.
Other names: short protein forms A303G.
Identifiers: ClinVar variation 3397302 (VCV003397302.1).

ClinVar aggregate classification (germline): Uncertain significance (1 of 4 stars; one submission).

gnomAD v4.1: 2 of 1,614,058 alleles (0.00012%); highest among the groups gnomAD compares: Non-Finnish European, 0.00017%; no homozygotes.

Submission:

Ambry Genetics
Classification: Uncertain significance. Last evaluated: 2024-10-23. Review status: criteria provided, single submitter. Criteria: Ambry Variant Classification Scheme 2023. Collection method: clinical testing. Allele origin: germline.
Comment: The p.A303G variant (also known as c.908C>G), located in coding exon 4 of the MNDA gene, results from a C to G substitution at nucleotide position 908. The alanine at codon 303 is replaced by glycine, an amino acid with similar properties. This amino acid position is conserved. In addition, this alteration is predicted to be tolerated by in silico analysis. Based on the available evidence, the clinical significance of this variant remains unclear.